The following is an entry in ClinVar:

ClinVar aggregate classification (germline): Likely benign (0 of 4 stars; one submission).

Conditions:
PCSK1-related disorder. Also called: PCSK1-related condition.

Allele frequency attached by ClinVar (database versions not stated): gnomAD exomes below 0.00001.
gnomAD v4.1: 2 of 1,613,850 alleles (0.00012%); highest among the groups gnomAD compares: Admixed American, 0.0017%; no homozygotes.

Submission:

PreventionGenetics, part of Exact Sciences
Classification: Likely benign for PCSK1-related condition. Last evaluated: 2022-01-21. Review status: no assertion criteria provided. Collection method: clinical testing. Allele origin: germline.
Comment: This variant is classified as likely benign based on ACMG/AMP sequence variant interpretation guidelines (Richards et al. 2015 PMID: 25741868, with internal and published modifications).

NM_000439.5(PCSK1):c.1746A>C (p.Gly582=)

Genes: PCSK1 (proprotein convertase subtilisin/kexin type 1; minus strand), CAST (calpastatin; plus strand), LOC101929710 (uncharacterized LOC101929710; plus strand). Cytogenetic location: 5q15.
Variant type: single nucleotide variant.
Coding change: c.1746A>C on transcript NM_000439.5 (MANE Select); coding-DNA position 1746, A replaced by C.
Protein change: p.Gly582=; no amino-acid change (glycine 582 retained).
Molecular consequence: synonymous variant. On other transcripts: intron variant (11).
Genome position (GRCh38, 1-based): chr5:96,395,002, T>G on the plus strand (A>C on the coding strand, the complement: PCSK1 is on the minus strand). VCF-style: chr5-96395002-T-G. GRCh37 (hg19) VCF-style: chr5-95730706-T-G.
Other names: c.-175+15350T>G (NM_001423257.1, NM_001423260.1, NM_001423254.1 and 6 more transcripts); c.1605A>C, p.Gly535= (NM_001177875.2); c.-103+15350T>G (NM_001423253.1); c.-40+15350T>G (NM_001423258.1).
Identifiers: ClinVar variation 3030976 (VCV003030976.2), dbSNP rs139669972, ClinGen allele CA3350142.